The following is an entry in ClinVar:

NM_001903.5(CTNNA1):c.118_119delinsTG (p.Val40Ter)

Gene: CTNNA1 (catenin alpha 1; plus strand). Cytogenetic location: 5q31.2.
Variant type: Indel.
Coding change: c.118_119delinsTG on transcript NM_001903.5 (MANE Select); coding-DNA positions 118 to 119, GT replaced by TG.
Protein change: p.Val40Ter; replaces valine 40 with a stop codon.
Molecular consequence: nonsense. On other transcripts: 5 prime UTR variant (1), intron variant (1).
Genome position (GRCh38, 1-based): chr5:138,783,189-138,783,190, GT replaced by TG. VCF-style: chr5-138783189-GT-TG. GRCh37 (hg19) VCF-style: chr5-138118878-GT-TG.
Other names: c.118_119delinsTG, p.Val40Ter (NM_001290307.3, NM_001323982.2, NM_001323983.1 and 3 more transcripts); c.-89_-88delinsTG (NM_001290310.3); c.-9+1160_-9+1161delinsTG (NM_001290309.3); short protein forms V40*.
Identifiers: ClinVar variation 2000890 (VCV002000890.4), dbSNP rs2532177853, ClinGen allele CA2580072835.

ClinVar aggregate classification (germline): Pathogenic (1 of 4 stars; one submission).

Submission:

Labcorp Genetics (formerly Invitae), Labcorp
Classification: Pathogenic. Last evaluated: 2023-05-15. Review status: criteria provided, single submitter. Criteria: Invitae Variant Classification Sherloc (09022015). Collection method: clinical testing. Allele origin: germline.
Comment: This sequence change creates a premature translational stop signal (p.Val40*) in the CTNNA1 gene. It is expected to result in an absent or disrupted protein product. Loss-of-function variants in CTNNA1 are known to be pathogenic (PMID: 32051609, 34425242). Information on the frequency of this variant in the gnomAD database is not available, as this variant may be reported differently in the database. This variant has not been reported in the literature in individuals affected with CTNNA1-related conditions. ClinVar contains an entry for this variant (Variation ID: 2000890). For these reasons, this variant has been classified as Pathogenic.

Literature cited by the submitters: PubMed 32051609; PubMed 34425242.